The following is an entry in ClinVar:

ClinVar aggregate classification (germline): Uncertain significance. Review status: criteria provided, multiple submitters, no conflicts (2 of 4 stars). 2 submissions from 2 submitters: Uncertain significance (2). Last evaluated 2024-12-11.

Submissions (2):

GeneDx
Classification: Uncertain significance. Last evaluated: 2024-12-11. Review status: criteria provided, single submitter. Criteria: GeneDx Variant Classification Process June 2021. Collection method: clinical testing. Allele origin: germline. Affected: yes.
Comment: Not observed at significant frequency in large population cohorts (gnomAD); In silico analysis supports that this missense variant has a deleterious effect on protein structure/function; Has not been previously published as pathogenic or benign to our knowledge

Ambry Genetics
Classification: Uncertain significance. Last evaluated: 2022-02-09. Review status: criteria provided, single submitter. Criteria: Ambry Variant Classification Scheme 2023. Collection method: clinical testing. Allele origin: germline.

NM_001297595.2(SIN3B):c.1600G>A (p.Ala534Thr)

Gene: SIN3B (SIN3 transcription regulator family member B; plus strand). Cytogenetic location: 19p13.11.
Variant type: single nucleotide variant.
Coding change: c.1600G>A on transcript NM_001297595.2 (MANE Select); coding-DNA position 1600, G replaced by A.
Protein change: p.Ala534Thr; replaces alanine 534 with threonine.
Molecular consequence: missense variant.
Genome position (GRCh38, 1-based): chr19:16,865,626, G>A. VCF-style: chr19-16865626-G-A. GRCh37 (hg19) VCF-style: chr19-16976437-G-A.
Other names: c.370G>A, p.Ala124Thr (NM_001297597.2); c.1696G>A, p.Ala566Thr (NM_015260.4); c.1696G>A (NM_015260.3); short protein forms A534T, A566T, A124T.
Identifiers: ClinVar variation 2276110 (VCV002276110.3), dbSNP rs2513063028, ClinGen allele CA404641901.
Genomic context (GRCh38, chr19:16,865,626, plus strand): 5'-CGCATCTATGGCGACAAGGCCCCGGAGATCATCGAGAGCCTCAAGAAGAACCCTGTCACC[G>A]CTGTCCCCGTTGTCCTGAAAAGGTGCCCTGTGGCGTCCCGACTTCCCTTCCCCTTCCCCT-3'
Protein context (NP_001284524.1, residues 524-544): IESLKKNPVT[Ala534Thr]VPVVLKRLKA